The following is an entry in ClinVar:

ClinVar aggregate classification (germline): Uncertain significance. Review status: criteria provided, multiple submitters, no conflicts (2 of 4 stars). 2 submissions from 2 submitters: Uncertain significance (2). Last evaluated 2024-08-12.

Conditions:
Hereditary cancer-predisposing syndrome. Also called: Neoplastic Syndromes, Hereditary; Tumor predisposition; Hereditary neoplastic syndrome; Hereditary Cancer Syndrome. Identifiers: Orphanet 140162, MedGen C0027672, MeSH D009386, MONDO:0015356.
Multiple endocrine neoplasia, type 1 (MEN1). Also called: MEN I; WERMER SYNDROME; Endocrine adenomatosis multiple; MEN 1; MEA I. Identifiers: Orphanet 652, MedGen C0025267, MeSH D018761, MONDO:0007540, OMIM 131100.

Allele frequency attached by ClinVar (database versions not stated): gnomAD exomes below 0.00001.
gnomAD v4.1: 2 of 1,614,102 alleles (0.00012%); highest among the groups gnomAD compares: Non-Finnish European, 0.00017%; no homozygotes.

Submissions (2):

Ambry Genetics
Classification: Uncertain significance for Hereditary cancer-predisposing syndrome. Last evaluated: 2024-08-12. Review status: criteria provided, single submitter. Criteria: Ambry Variant Classification Scheme 2023. Collection method: clinical testing. Allele origin: germline.
Comment: The p.I247V variant (also known as c.739A>G), located in coding exon 3 of the MEN1 gene, results from an A to G substitution at nucleotide position 739. The isoleucine at codon 247 is replaced by valine, an amino acid with highly similar properties. This amino acid position is conserved. In addition, the in silico prediction for this alteration is inconclusive. Based on the available evidence, the clinical significance of this variant remains unclear.

Labcorp Genetics (formerly Invitae), Labcorp
Classification: Uncertain significance for Multiple endocrine neoplasia, type 1. Last evaluated: 2018-09-18. Review status: criteria provided, single submitter. Criteria: Invitae Variant Classification Sherloc (09022015). Collection method: clinical testing. Allele origin: germline.
Comment: This variant has not been reported in the literature in individuals with MEN1-related disease. ClinVar contains an entry for this variant (Variation ID:527278). In summary, the available evidence is currently insufficient to determine the role of this variant in disease. Therefore, it has been classified as a Variant of Uncertain Significance. Algorithms developed to predict the effect of missense changes on protein structure and function do not agree on the potential impact of this missense change (SIFT: "Tolerated"; PolyPhen-2: "Possibly Damaging"; Align-GVGD: "Class C0"). This variant is not present in population databases (ExAC no frequency). This sequence change replaces isoleucine with valine at codon 247 of the MEN1 protein (p.Ile247Val). The isoleucine residue is moderately conserved and there is a small physicochemical difference between isoleucine and valine.

NM_001370259.2(MEN1):c.739A>G (p.Ile247Val)

Gene: MEN1 (menin 1; minus strand). Cytogenetic location: 11q13.1.
Variant type: single nucleotide variant.
Coding change: c.739A>G on transcript NM_001370259.2 (MANE Select); coding-DNA position 739, A replaced by G.
Protein change: p.Ile247Val; replaces isoleucine 247 with valine.
Molecular consequence: missense variant.
Genome position (GRCh38, 1-based): chr11:64,807,596, T>C on the plus strand (A>G on the coding strand, the complement: MEN1 is on the minus strand). VCF-style: chr11-64807596-T-C. GRCh37 (hg19) VCF-style: chr11-64575068-T-C.
Other names: c.754A>G, p.Ile252Val (NM_000244.4, NM_130800.3, NM_130801.3 and 3 more transcripts); c.739A>G, p.Ile247Val (NM_001370251.2, NM_001370260.2, NM_001370261.2 and 1 more transcripts); c.634A>G, p.Ile212Val (NM_001370262.2, NM_001370263.2); short protein forms I247V, I252V, I212V.
Identifiers: ClinVar variation 527278 (VCV000527278.10), dbSNP rs1555165508, ClinGen allele CA381184355.